The following is an entry in ClinVar:

ClinVar aggregate classification (germline): Uncertain significance (1 of 4 stars; one submission).

gnomAD v4.1: 3 of 1,614,148 alleles (0.00019%); highest among the groups gnomAD compares: African/African-American, 0.0013%; no homozygotes.

Submission:

Labcorp Genetics (formerly Invitae), Labcorp
Classification: Uncertain significance. Last evaluated: 2024-12-16. Review status: criteria provided, single submitter. Criteria: Invitae Variant Classification Sherloc (09022015). Collection method: clinical testing. Allele origin: germline.
Comment: This sequence change replaces glycine, which is neutral and non-polar, with arginine, which is basic and polar, at codon 189 of the COL10A1 protein (p.Gly189Arg). This variant is present in population databases (no rsID available, gnomAD 0.0009%). This variant has not been reported in the literature in individuals affected with COL10A1-related conditions. ClinVar contains an entry for this variant (Variation ID: 1436256). Invitae Evidence Modeling of protein sequence and biophysical properties (such as structural, functional, and spatial information, amino acid conservation, physicochemical variation, residue mobility, and thermodynamic stability) has been performed for this missense variant. However, the output from this modeling did not meet the statistical confidence thresholds required to predict the impact of this variant on COL10A1 protein function. In summary, the available evidence is currently insufficient to determine the role of this variant in disease. Therefore, it has been classified as a Variant of Uncertain Significance.

NM_000493.4(COL10A1):c.565G>A (p.Gly189Arg)

Genes: COL10A1 (collagen type X alpha 1 chain; minus strand), NT5DC1 (5'-nucleotidase domain containing 1; plus strand). Cytogenetic location: 6q22.1.
Variant type: single nucleotide variant.
Coding change: c.565G>A on transcript NM_000493.4 (MANE Select); coding-DNA position 565, G replaced by A.
Protein change: p.Gly189Arg; replaces glycine 189 with arginine.
Molecular consequence: missense variant. On other transcripts: intron variant (1).
Genome position (GRCh38, 1-based): chr6:116,121,551, C>T on the plus strand (G>A on the coding strand, the complement: COL10A1 is on the minus strand). VCF-style: chr6-116121551-C-T. GRCh37 (hg19) VCF-style: chr6-116442714-C-T.
Other names: c.565G>A, p.Gly189Arg (NM_001424106.1, NM_001424107.1); c.529+3606C>T (NM_152729.3); short protein forms G189R.
Identifiers: ClinVar variation 1436256 (VCV001436256.6), dbSNP rs762721417, ClinGen allele CA365394608.